The following is an entry in ClinVar:

ClinVar aggregate classification (germline): Uncertain significance (1 of 4 stars; one submission).

Conditions:
Autosomal dominant hypocalcemia 1 (HYPOC1). Also called: HYPOCALCEMIA, FAMILIAL. Identifiers: MedGen C3715128, MONDO:0011013, OMIM 601198.
Familial hypocalciuric hypercalcemia (FHH). Also called: Familial benign hypercalcemia. Identifiers: Orphanet 405, MedGen C1809471, MONDO:0018458.

Submission:

Labcorp Genetics (formerly Invitae), Labcorp
Classification: Uncertain significance for Familial hypocalciuric hypercalcemia; Autosomal dominant hypocalcemia 1. Last evaluated: 2023-09-20. Review status: criteria provided, single submitter. Criteria: Invitae Variant Classification Sherloc (09022015). Collection method: clinical testing. Allele origin: germline.
Comment: This variant has not been reported in the literature in individuals affected with CASR-related conditions. In summary, the available evidence is currently insufficient to determine the role of this variant in disease. Therefore, it has been classified as a Variant of Uncertain Significance. An algorithm developed to predict the effect of missense changes on protein structure and function (PolyPhen-2) suggests that this variant is likely to be disruptive. This variant is not present in population databases (gnomAD no frequency). This sequence change replaces asparagine, which is neutral and polar, with isoleucine, which is neutral and non-polar, at codon 639 of the CASR protein (p.Asn639Ile).

NM_000388.4(CASR):c.1916A>T (p.Asn639Ile)

Gene: CASR (calcium sensing receptor; plus strand). Cytogenetic location: 3q21.1.
Variant type: single nucleotide variant.
Coding change: c.1916A>T on transcript NM_000388.4 (MANE Select); coding-DNA position 1916, A replaced by T.
Protein change: p.Asn639Ile; replaces asparagine 639 with isoleucine.
Molecular consequence: missense variant.
Genome position (GRCh38, 1-based): chr3:122,283,870, A>T. VCF-style: chr3-122283870-A-T. GRCh37 (hg19) VCF-style: chr3-122002717-A-T.
Other names: c.1946A>T, p.Asn649Ile (NM_001178065.2); short protein forms N649I, N639I.
Identifiers: ClinVar variation 2952084 (VCV002952084.3), dbSNP rs1559968444, ClinGen allele CA354157970.
Genomic context (GRCh38, chr3:122,283,870, plus strand): 5'-TTGCCGTGCTGGGCATTTTCCTGACAGCCTTTGTGCTGGGTGTGTTTATCAAGTTCCGCA[A>T]CACACCCATTGTCAAGGCCACCAACCGAGAGCTCTCCTACCTCCTCCTCTTCTCCCTGCT-3'
Protein context (NP_000379.3, residues 629-649): FVLGVFIKFR[Asn639Ile]TPIVKATNRE